The following is an entry in ClinVar:

NM_024675.4(PALB2):c.2690T>G (p.Leu897Arg)

Gene: PALB2 (partner and localizer of BRCA2; minus strand). Cytogenetic location: 16p12.2.
Variant type: single nucleotide variant.
Coding change: c.2690T>G on transcript NM_024675.4 (MANE Select); coding-DNA position 2690, T replaced by G.
Protein change: p.Leu897Arg; replaces leucine 897 with arginine.
Molecular consequence: missense variant.
Genome position (GRCh38, 1-based): chr16:23,626,294, A>C on the plus strand (T>G on the coding strand, the complement: PALB2 is on the minus strand). VCF-style: chr16-23626294-A-C. GRCh37 (hg19) VCF-style: chr16-23637615-A-C.
Other names: short protein forms L897R.
Identifiers: ClinVar variation 233395 (VCV000233395.6), dbSNP rs876660377, ClinGen allele CA10579955.
Genomic context (GRCh38, chr16:23,626,294, plus strand): 5'-ACCTCTGCGAAGTGCCAGGTATAAAGTTTTTCCCACTGCCAAGCATCCAGAGCTTTCCAA[A>C]GAGAAACTACATCTTCGCAAGCAGTTATGATACATGGCTCTTTACAACCGGCTCTTTCCC-3'
Protein context (NP_078951.2, residues 887-907): IITACEDVVS[Leu897Arg]WKALDAWQWE

ClinVar aggregate classification (germline): Uncertain significance (1 of 4 stars; one submission).

Conditions:
Hereditary cancer-predisposing syndrome. Also called: Neoplastic Syndromes, Hereditary; Tumor predisposition; Hereditary Cancer Syndrome; Hereditary neoplastic syndrome. Identifiers: Orphanet 140162, MedGen C0027672, MeSH D009386, MONDO:0015356.

Submission:

Ambry Genetics
Classification: Uncertain significance for Hereditary cancer-predisposing syndrome. Last evaluated: 2024-06-08. Review status: criteria provided, single submitter. Criteria: Ambry Variant Classification Scheme 2023. Collection method: clinical testing. Allele origin: germline.
Comment: The p.L897R variant (also known as c.2690T>G), located in coding exon 7 of the PALB2 gene, results from a T to G substitution at nucleotide position 2690. The leucine at codon 897 is replaced by arginine, an amino acid with dissimilar properties. This amino acid position is highly conserved in available vertebrate species. In addition, this alteration is predicted to be deleterious by in silico analysis. Since supporting evidence is limited at this time, the clinical significance of this alteration remains unclear.